The following is an entry in ClinVar:

ClinVar aggregate classification (germline): Pathogenic (1 of 4 stars; one submission).

Conditions:
Glycogen storage disease type III (GSD3). Also called: FORBES DISEASE; Cori disease. Identifiers: Orphanet 366, MedGen C0017922, MONDO:0009291, OMIM 232400.

Allele frequency attached by ClinVar (database versions not stated): gnomAD exomes below 0.00001; ExAC 0.00001.
gnomAD v4.1: 2 of 1,613,550 alleles (0.00012%); highest among the groups gnomAD compares: Non-Finnish European, 0.00017%; no homozygotes.

Submission:

Centre for Human Genetics
Classification: Pathogenic for Glycogen storage disease type III. Last evaluated: 2020-08-03. Review status: criteria provided, single submitter. Criteria: ACMG Guidelines, 2015. Collection method: clinical testing. Allele origin: inherited. Inheritance: Autosomal recessive inheritance. Affected: yes. Observed: 1 variant allele.
Comment: disease causing

NM_000642.3(AGL):c.3214G>T (p.Glu1072Ter)

Gene: AGL (amylo-alpha-1,6-glucosidase and 4-alpha-glucanotransferase; plus strand). Cytogenetic location: 1p21.2.
Variant type: single nucleotide variant.
Coding change: c.3214G>T on transcript NM_000642.3 (MANE Select); coding-DNA position 3214, G replaced by T.
Protein change: p.Glu1072Ter; replaces glutamic acid 1072 with a stop codon.
Molecular consequence: nonsense.
Genome position (GRCh38, 1-based): chr1:99,892,562, G>T. VCF-style: chr1-99892562-G-T. GRCh37 (hg19) VCF-style: chr1-100358118-G-T.
Other names: p.1070X; c.3013G>T, p.Glu1005Ter (NM_001425327.1); c.3010G>T, p.Glu1004Ter (NM_001425328.1); c.2875G>T, p.Glu959Ter (NM_001425329.1); c.2836G>T, p.Glu946Ter (NM_001425332.1); c.3214G>T, p.Glu1072Ter (NM_000028.3, NM_000643.3, NM_000644.3 and 1 more transcripts); c.3166G>T, p.Glu1056Ter (NM_000646.3); c.3193G>T, p.Glu1065Ter (NM_001425326.1); short protein forms E1056*, E1072*, E1004*, E1005*, E1065*, E946*, E959*.
Identifiers: ClinVar variation 998100 (VCV000998100.1), dbSNP rs752840373, ClinGen allele CA967000.
Genomic context (GRCh38, chr1:99,892,562, plus strand): 5'-AAATTCCCTTCCCTGCCAATTCTTTCACCTGCCCTAATGGATGTACCTTATAGGTTAAAT[G>T]AGATCACAAAAGAAAAGGAGCAATGTTGTGTTTCTCTAGCTGCAGGTAAGGAATTATGTA-3'